The following is an entry in ClinVar:

NM_000516.7(GNAS):c.637C>T (p.Gln213Ter)

Gene: GNAS (GNAS complex locus; plus strand). Cytogenetic location: 20q13.32.
Variant type: single nucleotide variant.
Coding change: c.637C>T on transcript NM_000516.7 (MANE Select); coding-DNA position 637, C replaced by T.
Protein change: p.Gln213Ter; replaces glutamine 213 with a stop codon.
Molecular consequence: nonsense. On other transcripts: 3 prime UTR variant (2).
Genome position (GRCh38, 1-based): chr20:58,909,401, C>T. VCF-style: chr20-58909401-C-T. GRCh37 (hg19) VCF-style: chr20-57484456-C-T.
Other names: c.640C>T, p.Gln214Ter (NM_001077488.5); c.592C>T, p.Gln198Ter (NM_001077489.4); c.*498C>T (NM_001077490.3); c.460C>T, p.Gln154Ter (NM_001309840.2, NM_001309861.2); c.541C>T, p.Gln181Ter (NM_001410912.1); c.2521C>T, p.Gln841Ter (NM_001410913.1); c.*543C>T (NM_016592.5); c.2566C>T, p.Gln856Ter (NM_080425.4); and 1 more; short protein forms Q198*, Q841*, Q199*, Q213*, Q154*, Q181*, Q214*, Q856*.
Identifiers: ClinVar variation 2138362 (VCV002138362.5), dbSNP rs2146272015, ClinGen allele CA409452189.

ClinVar aggregate classification (germline): Pathogenic. Review status: criteria provided, multiple submitters, no conflicts (2 of 4 stars). 2 submissions from 2 submitters: Pathogenic (2). Last evaluated 2025-11-17.

Conditions:
GNAS-related disorder. Identifiers: MedGen CN380105.

Submissions (2):

3billion
Classification: Pathogenic for GNAS-related disorder. Last evaluated: 2025-11-17. Review status: criteria provided, single submitter. Criteria: ACMG Guidelines, 2015. Collection method: clinical testing. Allele origin: germline. Affected: yes.
Comment: The variant is not observed in the gnomAD v4.1.0 dataset. Predicted Consequence/Location: Stop-gained (nonsense): predicted to result in a loss or disruption of normal protein function through nonsense-mediated decay (NMD) or protein truncation. Multiple pathogenic variants are reported downstream of the variant. Functional studies provide moderate evidence of the variant having a damaging effect on the gene or gene product (PMID: 18805917). The variant has been reported to be associated with GNAS-related disorder (ClinVar ID: VCV002138362 /PMID: 18805917). Therefore, this variant is classified as Pathogenic according to the recommendation of ACMG/AMP guideline.

Labcorp Genetics (formerly Invitae), Labcorp
Classification: Pathogenic. Last evaluated: 2022-07-03. Review status: criteria provided, single submitter. Criteria: Invitae Variant Classification Sherloc (09022015). Collection method: clinical testing. Allele origin: germline.
Comment: This sequence change creates a premature translational stop signal (p.Gln213*) in the GNAS gene. It is expected to result in an absent or disrupted protein product. Loss-of-function variants in GNAS are known to be pathogenic (PMID: 11784876, 23281139, 23796510, 25802881). This variant is not present in population databases (gnomAD no frequency). This premature translational stop signal has been observed in individual(s) with GNAS-related conditions (PMID: 18805917, 25045367, 31886927). For these reasons, this variant has been classified as Pathogenic.

Literature cited by the submitters: PubMed 18805917 (cited by 3billion and Labcorp Genetics (formerly Invitae), Labcorp); PubMed 11784876 (cited by Labcorp Genetics (formerly Invitae), Labcorp); PubMed 23281139 (cited by Labcorp Genetics (formerly Invitae), Labcorp); PubMed 23796510 (cited by Labcorp Genetics (formerly Invitae), Labcorp); PubMed 25802881 (cited by Labcorp Genetics (formerly Invitae), Labcorp); PubMed 25045367 (cited by Labcorp Genetics (formerly Invitae), Labcorp); PubMed 31886927 (cited by Labcorp Genetics (formerly Invitae), Labcorp).